The following is an entry in ClinVar:

ClinVar aggregate classification (germline): Uncertain significance. Review status: criteria provided, multiple submitters, no conflicts (2 of 4 stars). 2 submissions from 2 submitters: Uncertain significance (2). Last evaluated 2025-12-10.

Conditions:
BIRC6-related disorder. Also called: BIRC6-related condition.

Allele frequency attached by ClinVar (database versions not stated): gnomAD 0.00001; TOPMed below 0.00001.
gnomAD v4.1: 3 of 1,589,642 alleles (0.00019%); highest among the groups gnomAD compares: Non-Finnish European, 0.00026%; no homozygotes.

Submissions (2):

Ambry Genetics
Classification: Uncertain significance. Last evaluated: 2025-12-10. Review status: criteria provided, single submitter. Criteria: Ambry Variant Classification Scheme 2023. Collection method: clinical testing. Allele origin: germline.

PreventionGenetics, part of Exact Sciences
Classification: Uncertain significance for BIRC6-related condition. Last evaluated: 2023-08-11. Review status: criteria provided, single submitter. Criteria: ACMG Guidelines, 2015. Collection method: clinical testing. Allele origin: germline.
Comment: The BIRC6 c.13518A>C variant is predicted to result in the amino acid substitution p.Glu4506Asp. To our knowledge, this variant has not been reported in the literature. This variant is reported in 0.0065% of alleles in individuals of European (Non-Finnish) descent in gnomAD. At this time, the clinical significance of this variant is uncertain due to the absence of conclusive functional and genetic evidence.

NM_016252.4(BIRC6):c.13518A>C (p.Glu4506Asp)

Gene: BIRC6 (baculoviral IAP repeat containing 6; plus strand). Cytogenetic location: 2p22.3.
Variant type: single nucleotide variant.
Coding change: c.13518A>C on transcript NM_016252.4 (MANE Select); coding-DNA position 13518, A replaced by C.
Protein change: p.Glu4506Asp; replaces glutamic acid 4506 with aspartic acid.
Molecular consequence: missense variant.
Genome position (GRCh38, 1-based): chr2:32,595,050, A>C. VCF-style: chr2-32595050-A-C. GRCh37 (hg19) VCF-style: chr2-32820117-A-C.
Other names: c.13515A>C, p.Glu4505Asp (NM_001378125.1); short protein forms E4505D, E4506D.
Identifiers: ClinVar variation 2631389 (VCV002631389.2), dbSNP rs764484444, ClinGen allele CA346530225.